The following is an entry in ClinVar:

ClinVar aggregate classification (germline): Likely benign. Review status: criteria provided, multiple submitters, no conflicts (2 of 4 stars). 8 submissions from 5 submitters: Likely benign (8). Last evaluated 2025-11-22.

Conditions:
Hypokalemic periodic paralysis, type 1. Also called: HypoPP; Hypokalemic Periodic Paralysis Type 1 (AD). Identifiers: Orphanet 681, MedGen C3714580, MONDO:0042979, OMIM 170400.
Malignant hyperthermia, susceptibility to, 5 (MHS5). Also called: CACNA1S-Related Malignant Hyperthermia Susceptibility. Identifiers: Orphanet 423, MedGen C1866077, MONDO:0011163, OMIM 601887.
Congenital myopathy 18. Also called: Myopathy, congenital, due to dihydropyridine receptor defect; DIHYDROPYRIDINE RECEPTOR CONGENITAL MYOPATHY; DHPR CONGENITAL MYOPATHY. Identifiers: MedGen C5830283, MONDO:0859514, OMIM 620246.
Thyrotoxic periodic paralysis, susceptibility to, 1 (TTPP1). Identifiers: Orphanet 79102, MedGen C2749982, MONDO:0008570, OMIM 188580.

Allele frequency attached by ClinVar (database versions not stated): gnomAD 0.00006; TOPMed 0.00006; ESP Exome Variant Server 0.00008; gnomAD exomes 0.00008; ExAC 0.00009.
gnomAD v4.1: 55 of 1,614,092 alleles (0.0034%); highest among the groups gnomAD compares: Non-Finnish European, 0.00059%; 1 homozygote.

Submissions (8):

Labcorp Genetics (formerly Invitae), Labcorp
Classification: Likely benign for Hypokalemic periodic paralysis, type 1; Malignant hyperthermia, susceptibility to, 5. Last evaluated: 2025-11-22. Review status: criteria provided, single submitter. Criteria: Invitae Variant Classification Sherloc (09022015). Collection method: clinical testing. Allele origin: germline.

All of Us Research Program, National Institutes of Health
Classification: Likely benign for Malignant hyperthermia, susceptibility to, 5. Last evaluated: 2024-01-08. Review status: criteria provided, single submitter. Criteria: ACMG Guidelines, 2015. Collection method: clinical testing. Allele origin: germline. Inheritance: Autosomal dominant inheritance. Observed: 26 variant alleles, 26 heterozygotes.
Comment: This study involves interpretation of variants in research participants for the purpose of population health screening. Participant phenotype was not available at the time of variant classification. Additional details can be found in publication PMID: 35346344, PMCID: PMC8962531

Genome-Nilou Lab
Classification: Likely benign for Malignant hyperthermia, susceptibility to, 5. Last evaluated: 2023-04-11. Review status: criteria provided, single submitter. Criteria: ACMG Guidelines, 2015. Collection method: clinical testing. Allele origin: germline. Affected: no.

Genome-Nilou Lab
Classification: Likely benign for Thyrotoxic periodic paralysis, susceptibility to, 1. Last evaluated: 2023-04-11. Review status: criteria provided, single submitter. Criteria: ACMG Guidelines, 2015. Collection method: clinical testing. Allele origin: germline. Affected: no.

Genome-Nilou Lab
Classification: Likely benign for Congenital myopathy 18. Last evaluated: 2023-04-11. Review status: criteria provided, single submitter. Criteria: ACMG Guidelines, 2015. Collection method: clinical testing. Allele origin: germline. Affected: no.

Genome-Nilou Lab
Classification: Likely benign for Hypokalemic periodic paralysis, type 1. Last evaluated: 2023-04-11. Review status: criteria provided, single submitter. Criteria: ACMG Guidelines, 2015. Collection method: clinical testing. Allele origin: germline. Affected: no.

CeGaT Center for Human Genetics Tuebingen
Classification: Likely benign. Last evaluated: 2023-04-01. Review status: criteria provided, single submitter. Criteria: CeGaT Center For Human Genetics Tuebingen Variant Classification Criteria Version 2. Collection method: clinical testing. Allele origin: germline. Affected: yes. Observed: 2 variant alleles.
Comment: CACNA1S: BP4, BP7

Color Diagnostics, LLC DBA Color Health
Classification: Likely benign for Malignant hyperthermia, susceptibility to, 5. Last evaluated: 2022-11-06. Review status: criteria provided, single submitter. Criteria: ACMG Guidelines, 2015. Collection method: clinical testing. Allele origin: germline.

NM_000069.3(CACNA1S):c.1704C>A (p.Leu568=)

Gene: CACNA1S (calcium voltage-gated channel subunit alpha1 S; minus strand). Cytogenetic location: 1q32.1.
Variant type: single nucleotide variant.
Coding change: c.1704C>A on transcript NM_000069.3 (MANE Select); coding-DNA position 1704, C replaced by A.
Protein change: p.Leu568=; no amino-acid change (leucine 568 retained).
Molecular consequence: synonymous variant.
Genome position (GRCh38, 1-based): chr1:201,077,043, G>T on the plus strand (C>A on the coding strand, the complement: CACNA1S is on the minus strand). VCF-style: chr1-201077043-G-T. GRCh37 (hg19) VCF-style: chr1-201046171-G-T.
Identifiers: ClinVar variation 473966 (VCV000473966.48), dbSNP rs201748367, ClinGen allele CA078523.